The following is an entry in ClinVar:

ClinVar aggregate classification (germline): Benign. Review status: criteria provided, multiple submitters, no conflicts (2 of 4 stars). 5 submissions from 5 submitters: Benign (5). Last evaluated 2025-12-08.

Conditions:
Familial infantile myasthenia (CMS6). Also called: MYASTHENIC SYNDROME, PRESYNAPTIC, CONGENITAL, ASSOCIATED WITH EPISODIC APNEA; MYASTHENIC SYNDROME, CONGENITAL, 6, PRESYNAPTIC; Congenital myasthenic syndrome type 6. Identifiers: Orphanet 590, MedGen C0393929, MONDO:0009689, OMIM 254210.

Allele frequency attached by ClinVar (database versions not stated): 1000 Genomes Project 30x 0.15787; 1000 Genomes Project 0.16154; TOPMed 0.17047; gnomAD 0.17399 and 0.17850; ESP Exome Variant Server 0.18757; gnomAD exomes 0.21000 and 0.24302; ExAC 0.21122.

Submissions (5):

Labcorp Genetics (formerly Invitae), Labcorp
Classification: Benign for Familial infantile myasthenia. Last evaluated: 2025-12-08. Review status: criteria provided, single submitter. Criteria: Invitae Variant Classification Sherloc (09022015). Collection method: clinical testing. Allele origin: germline.

Blueprint Genetics
Classification: Benign. Last evaluated: 2024-11-27. Review status: criteria provided, single submitter. Criteria: ACMG Guidelines, 2015. Collection method: clinical testing. Allele origin: germline.

GeneDx
Classification: Benign. Last evaluated: 2018-06-19. Review status: criteria provided, single submitter. Criteria: GeneDx Variant Classification (06012015). Collection method: clinical testing. Allele origin: germline. Affected: yes.
Comment: This variant is considered likely benign or benign based on one or more of the following criteria: it is a conservative change, it occurs at a poorly conserved position in the protein, it is predicted to be benign by multiple in silico algorithms, and/or has population frequency not consistent with disease.

Laboratory for Molecular Medicine, Mass General Brigham Personalized Medicine
Classification: Benign. Last evaluated: 2016-03-28. Review status: criteria provided, single submitter. Criteria: LMM Criteria. Collection method: clinical testing. Allele origin: germline.
Comment: Variant identified in a genome or exome case(s) and assessed due to predicted null impact of the variant or pathogenic assertions in the literature or databases. Disclaimer: This variant has not undergone full assessment. The following are preliminary notes: MAF

Breakthrough Genomics
Classification: Benign. Review status: criteria provided, single submitter. Criteria: ACMG Guidelines, 2015. Collection method: not provided. Allele origin: germline. Inheritance: Autosomal recessive inheritance. Affected: yes.

NM_020549.5(CHAT):c.287-431G>A

Gene: CHAT (choline O-acetyltransferase; plus strand). Cytogenetic location: 10q11.23.
Variant type: single nucleotide variant.
Coding change: c.287-431G>A on transcript NM_020549.5 (MANE Select); 431 bases into the intron before coding-DNA position 287, G replaced by A.
Molecular consequence: intron variant. On other transcripts: missense variant (1), 5 prime UTR variant (1).
Genome position (GRCh38, 1-based): chr10:49,616,071, G>A. VCF-style: chr10-49616071-G-A. GRCh37 (hg19) VCF-style: chr10-50824117-G-A.
Other names: c.19G>A, p.Asp7Asn (NM_001142933.2); c.-90G>A (NM_001142934.2); c.-68-431G>A (NM_020984.4, NM_020985.4, NM_020986.4 and 1 more transcripts); short protein forms D7N.
Identifiers: ClinVar variation 402536 (VCV000402536.14), dbSNP rs1880676, ClinGen allele CA5497063.
Genomic context (GRCh38, chr10:49,616,071, plus strand): 5'-CCACCAACGGAGTGAGGGAATTCACCCTACTCCACACCAGAGATGTGGCCGGAATGCAGA[G>A]ATGAAGCACTGAGCACAGTAGGTATGGTCTTACCCTTGAGAAGCTAGTGGGAAAGAGAGA-3'